The following is an entry in ClinVar:

ClinVar aggregate classification (germline): Uncertain significance (1 of 4 stars; one submission).

Conditions:
Hyper-IgE recurrent infection syndrome 3, autosomal recessive. Also called: Autosomal recessive hyper-IgE syndrome due to ZNF341 deficiency; HYPER-IgE SYNDROME 3, AUTOSOMAL RECESSIVE, WITH RECURRENT INFECTIONS. Identifiers: Orphanet 641368, MedGen C4748969, MONDO:0032654, OMIM 618282.

Submission:

Labcorp Genetics (formerly Invitae), Labcorp
Classification: Uncertain significance for Combined immunodeficiency due to DOCK8 deficiency. Last evaluated: 2020-12-21. Review status: criteria provided, single submitter. Criteria: Invitae Variant Classification Sherloc (09022015). Collection method: clinical testing. Allele origin: germline.
Comment: This variant has not been reported in the literature in individuals with DOCK8-related conditions. This variant is a gross deletion of the genomic region encompassing exon(s) 47-48 of the DOCK8 gene. The 5' boundary is likely confined to intron 46. The 3' end of this event is unknown as it extends through the termination codon beyond the assayed region for this gene and may encompass additional genes. While this deletion is not anticipated to lead to nonsense mediated decay, it is expected to alter mRNA translation or result in a truncated protein product. In summary, the available evidence is currently insufficient to determine the role of this variant in disease. Therefore, it has been classified as a Variant of Uncertain Significance.

NC_000009.11:g.(?_463497)_(464219_?)del

Gene: DOCK8 (dedicator of cytokinesis 8; plus strand). Cytogenetic location: 9p24.3.
Variant type: Deletion.
Identifiers: ClinVar variation 1413006 (VCV001413006.10).